The following is an entry in ClinVar:

NM_001363711.2(DUOX2):c.3916G>A (p.Ala1306Thr)

Gene: DUOX2 (dual oxidase 2; minus strand). Cytogenetic location: 15q21.1.
Variant type: single nucleotide variant.
Coding change: c.3916G>A on transcript NM_001363711.2 (MANE Select); coding-DNA position 3916, G replaced by A.
Protein change: p.Ala1306Thr; replaces alanine 1306 with threonine.
Molecular consequence: missense variant.
Genome position (GRCh38, 1-based): chr15:45,095,992, C>T on the plus strand (G>A on the coding strand, the complement: DUOX2 is on the minus strand). VCF-style: chr15-45095992-C-T. GRCh37 (hg19) VCF-style: chr15-45388190-C-T.
Other names: c.3916G>A, p.Ala1306Thr (NM_014080.5); short protein forms A1306T.
Identifiers: ClinVar variation 2225863 (VCV002225863.4), dbSNP rs750364813, ClinGen allele CA7537690.

ClinVar aggregate classification (germline): Uncertain significance. Review status: criteria provided, multiple submitters, no conflicts (2 of 4 stars). 2 submissions from 2 submitters: Uncertain significance (2). Last evaluated 2025-06-01.

Conditions:
Inborn genetic diseases. Identifiers: MedGen C0950123, MeSH D030342.

Allele frequency attached by ClinVar (database versions not stated): TOPMed 0.00001; ExAC 0.00003; gnomAD 0.00004.
gnomAD v4.1: 45 of 1,613,622 alleles (0.0028%); highest among the groups gnomAD compares: Middle Eastern, 0.016%; no homozygotes.

Submissions (2):

Labcorp Genetics (formerly Invitae), Labcorp
Classification: Uncertain significance. Last evaluated: 2025-06-01. Review status: criteria provided, single submitter. Criteria: Invitae Variant Classification Sherloc (09022015). Collection method: clinical testing. Allele origin: germline.
Comment: This sequence change replaces alanine, which is neutral and non-polar, with threonine, which is neutral and polar, at codon 1306 of the DUOX2 protein (p.Ala1306Thr). This variant is present in population databases (rs750364813, gnomAD 0.01%). This missense change has been observed in individual(s) with clinical features of autosomal recessive thryoid dyshormonogenesis (PMID: 38757580). ClinVar contains an entry for this variant (Variation ID: 2225863). Invitae Evidence Modeling of protein sequence and biophysical properties (such as structural, functional, and spatial information, amino acid conservation, physicochemical variation, residue mobility, and thermodynamic stability) indicates that this missense variant is expected to disrupt DUOX2 protein function with a positive predictive value of 80%. Experimental studies have shown that this missense change affects DUOX2 function (PMID: 38757580). In summary, the available evidence is currently insufficient to determine the role of this variant in disease. Therefore, it has been classified as a Variant of Uncertain Significance.

Ambry Genetics
Classification: Uncertain significance for Inborn genetic diseases. Last evaluated: 2021-04-20. Review status: criteria provided, single submitter. Criteria: Ambry Variant Classification Scheme 2023. Collection method: clinical testing. Allele origin: germline.

Literature cited by the submitters: PubMed 38757580 (cited by Labcorp Genetics (formerly Invitae), Labcorp).